The following is an entry in ClinVar:

ClinVar aggregate classification (germline): Uncertain significance (1 of 4 stars; one submission).

Conditions:
DOCK2 deficiency. Also called: Immunodeficiency 40. Identifiers: Orphanet 447737, MedGen C4225328, MONDO:0014637, OMIM 616433.

Allele frequency attached by ClinVar (database versions not stated): TOPMed 0.00001; gnomAD 0.00003.
gnomAD v4.1: 12 of 1,613,992 alleles (0.00074%); highest among the groups gnomAD compares: Admixed American, 0.0033%; no homozygotes.

Submission:

Labcorp Genetics (formerly Invitae), Labcorp
Classification: Uncertain significance for DOCK2 deficiency. Last evaluated: 2022-06-23. Review status: criteria provided, single submitter. Criteria: Invitae Variant Classification Sherloc (09022015). Collection method: clinical testing. Allele origin: germline.
Comment: In summary, the available evidence is currently insufficient to determine the role of this variant in disease. Therefore, it has been classified as a Variant of Uncertain Significance. Algorithms developed to predict the effect of missense changes on protein structure and function are either unavailable or do not agree on the potential impact of this missense change (SIFT: "Tolerated"; PolyPhen-2: "Probably Damaging"; Align-GVGD: "Class C0"). This variant has not been reported in the literature in individuals affected with DOCK2-related conditions. This variant is present in population databases (rs778683108, gnomAD 0.03%). This sequence change replaces alanine, which is neutral and non-polar, with glutamic acid, which is acidic and polar, at codon 1033 of the DOCK2 protein (p.Ala1033Glu).

NM_004946.3(DOCK2):c.3098C>A (p.Ala1033Glu)

Gene: DOCK2 (dedicator of cytokinesis 2; plus strand). Cytogenetic location: 5q35.1.
Variant type: single nucleotide variant.
Coding change: c.3098C>A on transcript NM_004946.3 (MANE Select); coding-DNA position 3098, C replaced by A.
Protein change: p.Ala1033Glu; replaces alanine 1033 with glutamic acid.
Molecular consequence: missense variant. On other transcripts: non-coding transcript variant (1).
Genome position (GRCh38, 1-based): chr5:170,008,522, C>A. VCF-style: chr5-170008522-C-A. GRCh37 (hg19) VCF-style: chr5-169435526-C-A.
Other names: short protein forms A1033E.
Identifiers: ClinVar variation 2154427 (VCV002154427.4), dbSNP rs778683108, ClinGen allele CA3554106.
Genomic context (GRCh38, chr5:170,008,522, plus strand): 5'-CTCTCCATAACTGTTCTCTGCTCTTTCATTTACAGCTGTGGAACAACTATTTTCATCTGG[C>A]AGTGGCTTTTATCACCCAGGATTCTCTGCAGCTGGAGCAGTTCTCACACGCCAAATACAA-3'
Protein context (NP_004937.1, residues 1023-1043): FQLWNNYFHL[Ala1033Glu]VAFITQDSLQ